The following is an entry in ClinVar:

NM_006361.6(HOXB13):c.116C>T (p.Ala39Val)

Gene: HOXB13 (homeobox B13; minus strand). Cytogenetic location: 17q21.32.
Variant type: single nucleotide variant.
Coding change: c.116C>T on transcript NM_006361.6 (MANE Select); coding-DNA position 116, C replaced by T.
Protein change: p.Ala39Val; replaces alanine 39 with valine.
Molecular consequence: missense variant.
Genome position (GRCh38, 1-based): chr17:48,728,478, G>A on the plus strand (C>T on the coding strand, the complement: HOXB13 is on the minus strand). VCF-style: chr17-48728478-G-A. GRCh37 (hg19) VCF-style: chr17-46805840-G-A.
Other names: short protein forms A39V.
Identifiers: ClinVar variation 690532 (VCV000690532.16), dbSNP rs773491778, ClinGen allele CA400109257.

ClinVar aggregate classification (germline): Uncertain significance. Review status: criteria provided, multiple submitters, no conflicts (2 of 4 stars). 4 submissions from 4 submitters: Uncertain significance (2). 2 of the submissions do not count toward it. Last evaluated 2023-03-18.

Conditions:
Prostate cancer, hereditary, 1 (HPC1). Identifiers: Orphanet 1331, MedGen C4722327, MONDO:0011098, OMIM 601518.
HOXB13-related disorder. Also called: HOXB13-related disorders; HOXB13-related condition.
Hereditary cancer-predisposing syndrome. Also called: Neoplastic Syndromes, Hereditary; Tumor predisposition; Hereditary neoplastic syndrome; Hereditary Cancer Syndrome. Identifiers: Orphanet 140162, MedGen C0027672, MeSH D009386, MONDO:0015356.

gnomAD v4.1: 1 of 1,613,212 alleles (0.000062%); highest among the groups gnomAD compares: Non-Finnish European, 0.000085%; no homozygotes.

Submissions (4):

Labcorp Genetics (formerly Invitae), Labcorp
Classification: Uncertain significance. Last evaluated: 2023-03-18. Review status: criteria provided, single submitter. Criteria: Invitae Variant Classification Sherloc (09022015). Collection method: clinical testing. Allele origin: germline.
Comment: In summary, the available evidence is currently insufficient to determine the role of this variant in disease. Therefore, it has been classified as a Variant of Uncertain Significance. An algorithm developed to predict the effect of missense changes on protein structure and function (PolyPhen-2) suggests that this variant is likely to be tolerated. ClinVar contains an entry for this variant (Variation ID: 690532). This variant has not been reported in the literature in individuals affected with HOXB13-related conditions. This variant is not present in population databases (gnomAD no frequency). This sequence change replaces alanine, which is neutral and non-polar, with valine, which is neutral and non-polar, at codon 39 of the HOXB13 protein (p.Ala39Val).

Ambry Genetics
Classification: Uncertain significance for Hereditary cancer-predisposing syndrome. Last evaluated: 2019-10-01. Review status: criteria provided, single submitter. Criteria: Ambry Variant Classification Scheme 2023. Collection method: clinical testing. Allele origin: germline.
Comment: The p.A39V variant (also known as c.116C>T), located in coding exon 1 of the HOXB13 gene, results from a C to T substitution at nucleotide position 116. The alanine at codon 39 is replaced by valine, an amino acid with similar properties. This amino acid position is well conserved in available vertebrate species. In addition, the in silico prediction for this alteration is inconclusive. Since supporting evidence is limited at this time, the clinical significance of this alteration remains unclear.

PreventionGenetics, part of Exact Sciences
Classification: Uncertain significance for HOXB13-related condition. Last evaluated: 2023-12-19. Review status: no assertion criteria provided. Collection method: clinical testing. Allele origin: germline. Not counted in ClinVar's aggregate classification.
Comment: The HOXB13 c.116C>T variant is predicted to result in the amino acid substitution p.Ala39Val. To our knowledge, this variant has not been reported in the literature or in a large population database, indicating this variant is rare. It is interpreted as uncertain significance in ClinVar. At this time, the clinical significance of this variant is uncertain due to the absence of conclusive functional and genetic evidence.

Laboratory of Virology, Microbiology,  Quality and Medical Biotechnologies, Faculty of Sciences and Techniques - Mohammedia, Hassan II University of Casablanca
Classification: Uncertain significance for Prostate cancer, hereditary, 1. Review status: no assertion criteria provided. Collection method: clinical testing. Allele origin: somatic. Affected: yes. Not counted in ClinVar's aggregate classification.